The following is an entry in ClinVar:

ClinVar aggregate classification (germline): Likely pathogenic (1 of 4 stars; one submission).

Conditions:
Generalized epilepsy with febrile seizures plus, type 9 (GEFSP9). Also called: GEFS+, TYPE 9. Identifiers: Orphanet 36387, MedGen C4015395, MONDO:0014517, OMIM 616172.

Allele frequency attached by ClinVar (database versions not stated): gnomAD exomes below 0.00001.

Submission:

Labcorp Genetics (formerly Invitae), Labcorp
Classification: Likely pathogenic for Generalized epilepsy with febrile seizures plus, type 9. Last evaluated: 2024-01-28. Review status: criteria provided, single submitter. Criteria: Invitae Variant Classification Sherloc (09022015). Collection method: clinical testing. Allele origin: germline.
Comment: This sequence change affects an acceptor splice site in intron 5 of the STX1B gene. It is expected to disrupt RNA splicing. Variants that disrupt the donor or acceptor splice site typically lead to a loss of protein function (PMID: 16199547), and loss-of-function variants in STX1B are known to be pathogenic (PMID: 25362483). This variant is not present in population databases (gnomAD no frequency). This variant has not been reported in the literature in individuals affected with STX1B-related conditions. Algorithms developed to predict the effect of sequence changes on RNA splicing suggest that this variant may disrupt the consensus splice site. In summary, the currently available evidence indicates that the variant is pathogenic, but additional data are needed to prove that conclusively. Therefore, this variant has been classified as Likely Pathogenic.

Literature cited by the submitters: PubMed 16199547; PubMed 25362483.

NM_052874.5(STX1B):c.355-1G>A

Gene: STX1B (syntaxin 1B; minus strand). Cytogenetic location: 16p11.2.
Variant type: single nucleotide variant.
Coding change: c.355-1G>A on transcript NM_052874.5 (MANE Select); the canonical splice acceptor site of the intron before coding-DNA position 355, G replaced by A.
Molecular consequence: splice acceptor variant.
Genome position (GRCh38, 1-based): chr16:30,997,060, C>T on the plus strand (G>A on the coding strand, the complement: STX1B is on the minus strand). VCF-style: chr16-30997060-C-T. GRCh37 (hg19) VCF-style: chr16-31008381-C-T.
Identifiers: ClinVar variation 2710810 (VCV002710810.3), dbSNP rs2543960014, ClinGen allele CA395649398.
Genomic context (GRCh38, chr16:30,997,060, plus strand): 5'-GGACTGGGTCGCGTTATATTCGGTCATTACCTCCACGAACTTCCGGGACAGTGTGGAGTG[C>T]TACGGTGGGGGTGGGGGGACAGACGGATCAGGGAGGTAGTCAGGGATCAGGGAGGGAGTC-3'